The following is an entry in ClinVar:

NM_015443.4(KANSL1):c.149A>G (p.Lys50Arg)

Gene: KANSL1 (KAT8 regulatory NSL complex subunit 1). Cytogenetic location: 17q21.31.
Variant type: single nucleotide variant.
Coding change: c.149A>G on transcript NM_015443.4 (MANE Select); coding-DNA position 149, A replaced by G.
Protein change: p.Lys50Arg; replaces lysine 50 with arginine.
Molecular consequence: missense variant. On other transcripts: intron variant (4).
Genome position (GRCh38, 1-based): chr17:46,171,995, T>C on the plus strand (A>G on the coding strand, the complement: KANSL1 is on the minus strand). VCF-style: chr17-46171995-T-C. GRCh37 (hg19) VCF-style: chr17-44249361-T-C.
Other names: c.149A>G, p.Lys50Arg (NM_001193465.2, NM_001193466.2, NM_001379198.1 and 18 more transcripts); c.23+51676A>G (NM_001405885.1, NM_001405884.1, NM_001405883.1 and 1 more transcripts); short protein forms K50R.
Identifiers: ClinVar variation 2636424 (VCV002636424.1), dbSNP rs2545094588, ClinGen allele CA399982881.

ClinVar aggregate classification (germline): Uncertain significance (1 of 4 stars; one submission).

Conditions:
KANSL1-related disorder. Also called: KANSL1-related condition.

Allele frequency attached by ClinVar (database versions not stated): gnomAD exomes below 0.00001.
gnomAD v4.1: 1 of 1,614,272 alleles (0.000062%); highest among the groups gnomAD compares: Non-Finnish European, 0.000085%; no homozygotes.

Submission:

PreventionGenetics, part of Exact Sciences
Classification: Uncertain significance for KANSL1-related condition. Last evaluated: 2022-08-26. Review status: criteria provided, single submitter. Criteria: ACMG Guidelines, 2015. Collection method: clinical testing. Allele origin: germline.
Comment: The KANSL1 c.149A>G variant is predicted to result in the amino acid substitution p.Lys50Arg. To our knowledge, this variant has not been reported in the literature or in a large population database, indicating this variant is rare. At this time, the clinical significance of this variant is uncertain due to the absence of conclusive functional and genetic evidence.